The following is an entry in ClinVar:

ClinVar aggregate classification (germline): Uncertain significance (1 of 4 stars; one submission).

Conditions:
Hereditary cancer-predisposing syndrome. Also called: Neoplastic Syndromes, Hereditary; Tumor predisposition; Hereditary Cancer Syndrome; Hereditary neoplastic syndrome. Identifiers: Orphanet 140162, MedGen C0027672, MeSH D009386, MONDO:0015356.

gnomAD v4.1: 1 of 1,596,070 alleles (0.000063%); highest among the groups gnomAD compares: Non-Finnish European, 0.000085%; no homozygotes.

Submission:

Ambry Genetics
Classification: Uncertain significance for Hereditary cancer-predisposing syndrome. Last evaluated: 2026-02-19. Review status: criteria provided, single submitter. Criteria: Ambry Variant Classification Scheme 2023. Collection method: clinical testing. Allele origin: germline.
Comment: The p.G16V variant (also known as c.47G>T), located in coding exon 1 of the GREM1 gene, results from a G to T substitution at nucleotide position 47. The glycine at codon 16 is replaced by valine, an amino acid with dissimilar properties. This amino acid position is conserved. In addition, the in silico prediction for this alteration is inconclusive. Based on the available evidence, the clinical significance of this variant remains unclear.

NM_013372.7(GREM1):c.47G>T (p.Gly16Val)

Gene: GREM1 (gremlin 1, DAN family BMP antagonist; plus strand). Cytogenetic location: 15q13.3.
Variant type: single nucleotide variant.
Coding change: c.47G>T on transcript NM_013372.7 (MANE Select); coding-DNA position 47, G replaced by T.
Protein change: p.Gly16Val; replaces glycine 16 with valine.
Molecular consequence: missense variant. On other transcripts: intron variant (1).
Genome position (GRCh38, 1-based): chr15:32,730,737, G>T. VCF-style: chr15-32730737-G-T. GRCh37 (hg19) VCF-style: chr15-33022938-G-T.
Other names: c.47G>T, p.Gly16Val (NM_001191323.2, NM_001368719.1); c.27+20G>T (NM_001191322.2); short protein forms G16V.
Identifiers: ClinVar variation 4824886 (VCV004824886.1).